The following is an entry in ClinVar:

ClinVar aggregate classification (germline): Uncertain significance (1 of 4 stars; one submission).

Conditions:
Inborn genetic diseases. Identifiers: MedGen C0950123, MeSH D030342.

Allele frequency attached by ClinVar (database versions not stated): gnomAD exomes below 0.00001.
gnomAD v4.1: 1 of 1,614,066 alleles (0.000062%); highest among the groups gnomAD compares: Non-Finnish European, 0.000085%; no homozygotes.

Submission:

Ambry Genetics
Classification: Uncertain significance for Inborn genetic diseases. Last evaluated: 2021-11-06. Review status: criteria provided, single submitter. Criteria: Ambry Variant Classification Scheme 2023. Collection method: clinical testing. Allele origin: germline.
Comment: The p.S733F variant (also known as c.2198C>T), located in coding exon 10 of the ATR gene, results from a C to T substitution at nucleotide position 2198. The serine at codon 733 is replaced by phenylalanine, an amino acid with highly dissimilar properties. This amino acid position is conserved. In addition, this alteration is predicted to be tolerated by in silico analysis. Since supporting evidence is limited at this time, the clinical significance of this alteration remains unclear.

NM_001184.4(ATR):c.2198C>T (p.Ser733Phe)

Gene: ATR (ATR checkpoint kinase; minus strand). Cytogenetic location: 3q23.
Variant type: single nucleotide variant.
Coding change: c.2198C>T on transcript NM_001184.4 (MANE Select); coding-DNA position 2198, C replaced by T.
Protein change: p.Ser733Phe; replaces serine 733 with phenylalanine.
Molecular consequence: missense variant.
Genome position (GRCh38, 1-based): chr3:142,556,020, G>A on the plus strand (C>T on the coding strand, the complement: ATR is on the minus strand). VCF-style: chr3-142556020-G-A. GRCh37 (hg19) VCF-style: chr3-142274862-G-A.
Other names: c.2006C>T, p.Ser669Phe (NM_001354579.2); short protein forms S733F, S669F.
Identifiers: ClinVar variation 1787522 (VCV001787522.2), dbSNP rs2034658644, ClinGen allele CA354818782.